The following is an entry in ClinVar:

NM_001440.4(EXTL3):c.1537C>T (p.Arg513Cys)

Gene: EXTL3 (exostosin like glycosyltransferase 3; plus strand). Cytogenetic location: 8p21.1.
Variant type: single nucleotide variant.
Coding change: c.1537C>T on transcript NM_001440.4 (MANE Select); coding-DNA position 1537, C replaced by T.
Protein change: p.Arg513Cys; replaces arginine 513 with cysteine.
Molecular consequence: missense variant.
Genome position (GRCh38, 1-based): chr8:28,717,596, C>T. VCF-style: chr8-28717596-C-T. GRCh37 (hg19) VCF-style: chr8-28575113-C-T.
Other names: short protein forms R513C.
Identifiers: ClinVar variation 2136652 (VCV002136652.4), dbSNP rs1332006145, ClinGen allele CA370859942.

ClinVar aggregate classification (germline): Uncertain significance (1 of 4 stars; one submission).

Allele frequency attached by ClinVar (database versions not stated): gnomAD 0.00001.
gnomAD v4.1: 6 of 1,614,110 alleles (0.00037%); highest among the groups gnomAD compares: Admixed American, 0.0017%; no homozygotes.

Submission:

Labcorp Genetics (formerly Invitae), Labcorp
Classification: Uncertain significance. Last evaluated: 2022-05-18. Review status: criteria provided, single submitter. Criteria: Invitae Variant Classification Sherloc (09022015). Collection method: clinical testing. Allele origin: germline.
Comment: This missense change has been observed in individual(s) with EXTL3 deficiency (PMID: 28132690). This variant is present in population databases (no rsID available, gnomAD 0.003%). This sequence change replaces arginine, which is basic and polar, with cysteine, which is neutral and slightly polar, at codon 513 of the EXTL3 protein (p.Arg513Cys). Algorithms developed to predict the effect of missense changes on protein structure and function (SIFT, PolyPhen-2, Align-GVGD) all suggest that this variant is likely to be disruptive. In summary, the available evidence is currently insufficient to determine the role of this variant in disease. Therefore, it has been classified as a Variant of Uncertain Significance.

Literature cited by the submitters: PubMed 28132690.